The following is an entry in ClinVar:

ClinVar aggregate classification (germline): Pathogenic. Review status: criteria provided, single submitter (1 of 4 stars). 2 submissions from 2 submitters: Pathogenic (1). 1 of the submissions does not count toward it.

Conditions:
Autosomal recessive Parkinson disease 14. Also called: PARKINSON DISEASE 14; DYSTONIA-PARKINSONISM, ADULT-ONSET. Identifiers: Orphanet 199351, MedGen C2751842, MONDO:0013060, OMIM 612953.
Infantile neuroaxonal dystrophy (NBIA2A). Also called: SEITELBERGER DISEASE; NEURODEGENERATION WITH BRAIN IRON ACCUMULATION 2A; Infantile neuroaxonal dystrophy 1. Identifiers: Orphanet 35069, MedGen C0270724, MONDO:0024457, OMIM 256600.
Neurodegeneration with brain iron accumulation 2B. Also called: NEUROAXONAL DYSTROPHY, ATYPICAL; NEURODEGENERATION WITH BRAIN IRON ACCUMULATION, PLA2G6-RELATED; aNAD; atypical Neuroaxonal Dystrophy (aNAD). Identifiers: Orphanet 35069, MedGen C1857747, MONDO:0012444, OMIM 610217.

Submissions (2):

Juno Genomics, Hangzhou Juno Genomics, Inc
Classification: Pathogenic for Infantile neuroaxonal dystrophy; Neurodegeneration with brain iron accumulation 2B; Autosomal recessive Parkinson disease 14. Review status: criteria provided, single submitter. Criteria: ACMG Guidelines, 2015. Collection method: clinical testing. Allele origin: germline.
Comment: Absent from controls (or at extremely low frequency if recessive) in Genome Aggregation Database.;For recessive disorders, detected in trans with a pathogenic variant.;Multiple lines of computational evidence support a deleterious effect on the gene or gene product.

Department of Rehabilitation Medicine, Incheon St. Mary’s Hospital, College of Medicine, The Catholic University of Korea
Classification: Pathogenic for Neurodegeneration with brain iron accumulation 2B. Review status: no assertion criteria provided. Collection method: clinical testing. Allele origin: maternal. Affected: yes. Not counted in ClinVar's aggregate classification.

NM_003560.4(PLA2G6):c.668C>A (p.Pro223Gln)

Gene: PLA2G6 (phospholipase A2 group VI; minus strand). Cytogenetic location: 22q13.1.
Variant type: single nucleotide variant.
Coding change: c.668C>A on transcript NM_003560.4 (MANE Select); coding-DNA position 668, C replaced by A.
Protein change: p.Pro223Gln; replaces proline 223 with glutamine.
Molecular consequence: missense variant. On other transcripts: intron variant (1).
Genome position (GRCh38, 1-based): chr22:38,140,111, G>T on the plus strand (C>A on the coding strand, the complement: PLA2G6 is on the minus strand). VCF-style: chr22-38140111-G-T. GRCh37 (hg19) VCF-style: chr22-38536118-G-T.
Other names: c.668C>A, p.Pro223Gln (NM_001349866.2, NM_001004426.3, NM_001199562.3 and 2 more transcripts); c.134C>A, p.Pro45Gln (NM_001349867.2, NM_001349869.2); c.119+2994C>A (NM_001349868.2); short protein forms P223Q, P45Q.
Identifiers: ClinVar variation 1012263 (VCV001012263.4), dbSNP rs776753796.